The following is an entry in ClinVar:

ClinVar aggregate classification (germline): Likely benign (1 of 4 stars; one submission).

Conditions:
KCNQ1-related disorder. Also called: KCNQ1-related disorders; KCNQ1-related condition. Identifiers: MedGen CN239322.

gnomAD v4.1: 11 of 398,604 alleles (0.0028%); highest among the groups gnomAD compares: African/African-American, 0.018%; no homozygotes.

Submission:

PreventionGenetics, part of Exact Sciences
Classification: Likely benign for KCNQ1-related condition. Last evaluated: 2025-06-16. Review status: criteria provided, single submitter. Criteria: ACMG Guidelines, 2015. Collection method: clinical testing. Allele origin: germline.
Comment: This variant is classified as likely benign based on ACMG/AMP sequence variant interpretation guidelines (Richards et al. 2015 PMID: 25741868, with internal and published modifications).

NM_000218.3(KCNQ1):c.1394-11160G>A

Genes: KCNQ1 (potassium voltage-gated channel subfamily Q member 1; plus strand), KCNQ1OT1 (KCNQ1 opposite strand/antisense transcript 1; minus strand). Cytogenetic location: 11p15.5.
Variant type: single nucleotide variant.
Coding change: c.1394-11160G>A on transcript NM_000218.3 (MANE Select); 11160 bases into the intron before coding-DNA position 1394, G replaced by A.
Molecular consequence: intron variant. On other transcripts: non-coding transcript variant (1).
Genome position (GRCh38, 1-based): chr11:2,650,801, G>A. VCF-style: chr11-2650801-G-A. GRCh37 (hg19) VCF-style: chr11-2672031-G-A.
Other names: c.1124-11160G>A (NM_001406837.1); c.1298-11160G>A (NM_001406836.1); c.854-11160G>A (NM_001406838.1); c.1013-11160G>A (NM_181798.2).
Identifiers: ClinVar variation 4987432 (VCV004987432.1).